The following is an entry in ClinVar:

NM_014862.4(ARNT2):c.659A>G (p.Lys220Arg)

Gene: ARNT2 (aryl hydrocarbon receptor nuclear translocator 2; plus strand). Cytogenetic location: 15q25.1.
Variant type: single nucleotide variant.
Coding change: c.659A>G on transcript NM_014862.4 (MANE Select); coding-DNA position 659, A replaced by G.
Protein change: p.Lys220Arg; replaces lysine 220 with arginine.
Molecular consequence: missense variant.
Genome position (GRCh38, 1-based): chr15:80,508,192, A>G. VCF-style: chr15-80508192-A-G. GRCh37 (hg19) VCF-style: chr15-80800533-A-G.
Other names: short protein forms K220R.
Identifiers: ClinVar variation 1986188 (VCV001986188.4), dbSNP rs753686433, ClinGen allele CA274325633.

ClinVar aggregate classification (germline): Uncertain significance (1 of 4 stars; one submission).

Allele frequency attached by ClinVar (database versions not stated): gnomAD exomes below 0.00001; gnomAD 0.00001; TOPMed 0.00001.
gnomAD v4.1: 7 of 1,614,004 alleles (0.00043%); highest among the groups gnomAD compares: Admixed American, 0.0017%; no homozygotes.

Submission:

Labcorp Genetics (formerly Invitae), Labcorp
Classification: Uncertain significance. Last evaluated: 2023-10-09. Review status: criteria provided, single submitter. Criteria: Invitae Variant Classification Sherloc (09022015). Collection method: clinical testing. Allele origin: germline.
Comment: This sequence change replaces lysine, which is basic and polar, with arginine, which is basic and polar, at codon 220 of the ARNT2 protein (p.Lys220Arg). This variant is not present in population databases (gnomAD no frequency). This variant has not been reported in the literature in individuals affected with ARNT2-related conditions. ClinVar contains an entry for this variant (Variation ID: 1986188). An algorithm developed to predict the effect of missense changes on protein structure and function (PolyPhen-2) suggests that this variant is likely to be tolerated. In summary, the available evidence is currently insufficient to determine the role of this variant in disease. Therefore, it has been classified as a Variant of Uncertain Significance.